The following is an entry in ClinVar:

ClinVar aggregate classification (germline): Uncertain significance (1 of 4 stars; one submission).

Conditions:
Fanconi anemia (FA). Also called: Fanconi's anemia. Identifiers: Orphanet 84, MedGen C0015625, MeSH D005199, MONDO:0019391.

Allele frequency attached by ClinVar (database versions not stated): gnomAD exomes below 0.00001; ExAC 0.00001.
gnomAD v4.1: 24 of 1,612,914 alleles (0.0015%); highest among the groups gnomAD compares: Non-Finnish European, 0.0019%; no homozygotes.

Submission:

Labcorp Genetics (formerly Invitae), Labcorp
Classification: Uncertain significance for Fanconi anemia. Last evaluated: 2020-12-31. Review status: criteria provided, single submitter. Criteria: Invitae Variant Classification Sherloc (09022015). Collection method: clinical testing. Allele origin: germline.
Comment: This sequence change replaces isoleucine with threonine at codon 1195 of the SLX4 protein (p.Ile1195Thr). The isoleucine residue is moderately conserved and there is a moderate physicochemical difference between isoleucine and threonine. In summary, the available evidence is currently insufficient to determine the role of this variant in disease. Therefore, it has been classified as a Variant of Uncertain Significance. Algorithms developed to predict the effect of missense changes on protein structure and function are either unavailable or do not agree on the potential impact of this missense change (SIFT: "Tolerated"; PolyPhen-2: "Probably Damaging"; Align-GVGD: "Class C0"). This variant has not been reported in the literature in individuals with SLX4-related conditions. This variant is present in population databases (rs757575928, ExAC 0.002%).

NM_032444.4(SLX4):c.3584T>C (p.Ile1195Thr)

Gene: SLX4 (SLX4 structure-specific endonuclease subunit; minus strand). Cytogenetic location: 16p13.3.
Variant type: single nucleotide variant.
Coding change: c.3584T>C on transcript NM_032444.4 (MANE Select); coding-DNA position 3584, T replaced by C.
Protein change: p.Ile1195Thr; replaces isoleucine 1195 with threonine.
Molecular consequence: missense variant.
Genome position (GRCh38, 1-based): chr16:3,590,054, A>G on the plus strand (T>C on the coding strand, the complement: SLX4 is on the minus strand). VCF-style: chr16-3590054-A-G. GRCh37 (hg19) VCF-style: chr16-3640055-A-G.
Other names: short protein forms I1195T.
Identifiers: ClinVar variation 1365447 (VCV001365447.6), dbSNP rs757575928, ClinGen allele CA7865895.
Genomic context (GRCh38, chr16:3,590,054, plus strand): 5'-TGCAGCACAGCTTCGCTTCTTGGTGGGCTCTGGGAAGGTTCCTGATCTGCATCAACATCA[A>G]TGATGGAAAACAGCTCACAGGACCTAGGGCTAATTTCTAGAGCTTTCTTTTCTTCCAGAG-3'
Protein context (NP_115820.2, residues 1185-1205): SPRSCELFSI[Ile1195Thr]DVDADQEPSQ